The following is an entry in ClinVar:

NM_001369268.1(ACAN):c.5864del (p.Gly1955fs)

Gene: ACAN (aggrecan; plus strand). Cytogenetic location: 15q26.1.
Variant type: Deletion.
Coding change: c.5864del on transcript NM_001369268.1 (MANE Select); coding-DNA position 5864, one base deleted (G; older notation c.5864delG).
Protein change: p.Gly1955fs; shifts the reading frame from glycine 1955.
Molecular consequence: frameshift variant.
Genome position (GRCh38, 1-based): chr15:88,858,449, G deleted; the last of 2 consecutive G bases (chr15:88,858,448-88,858,449); deleting either gives the same sequence. VCF-style (leftmost placement, unchanged base first): chr15-88858447-AG-A. GRCh37 (hg19) VCF-style: chr15-89401678-AG-A.
Other names: c.5864del, p.Gly1955fs (NM_001135.4, NM_001411096.1, NM_001411097.1 and 1 more transcripts); short protein forms G1955fs.
Identifiers: ClinVar variation 4534812 (VCV004534812.6).

ClinVar aggregate classification (germline): Pathogenic (1 of 4 stars; one submission).

Submission:

CeGaT Center for Human Genetics Tuebingen
Classification: Pathogenic. Last evaluated: 2025-10-01. Review status: criteria provided, single submitter. Criteria: CeGaT Center For Human Genetics Tuebingen Variant Classification Criteria Version 2. Collection method: clinical testing. Allele origin: germline. Affected: yes. Observed: 1 variant allele.
Comment: ACAN: PVS1, PM2